The following is an entry in ClinVar:

NM_020800.3(IFT80):c.958-1G>T

Genes: TRIM59-IFT80 (TRIM59-IFT80 readthrough (NMD candidate); minus strand), IFT80 (intraflagellar transport 80; minus strand). Cytogenetic location: 3q25.33.
Variant type: single nucleotide variant.
Coding change: c.958-1G>T on transcript NM_020800.3 (MANE Select); the canonical splice acceptor site of the intron before coding-DNA position 958, G replaced by T.
Molecular consequence: splice acceptor variant.
Genome position (GRCh38, 1-based): chr3:160,307,782, C>A on the plus strand (G>T on the coding strand, the complement: IFT80 is on the minus strand). VCF-style: chr3-160307782-C-A. GRCh37 (hg19) VCF-style: chr3-160025570-C-A.
Other names: c.547-1G>T (NM_001190241.2, NM_001190242.2).
Identifiers: ClinVar variation 956602 (VCV000956602.12), dbSNP rs202051267, ClinGen allele CA2685291.

ClinVar aggregate classification (germline): Pathogenic/Likely pathogenic. Review status: criteria provided, multiple submitters, no conflicts (2 of 4 stars). 3 submissions from 3 submitters: Pathogenic (1); Likely pathogenic (2). Last evaluated 2026-01-02.

Conditions:
Jeune thoracic dystrophy. Also called: Short-rib thoracic dysplasia; Jeune syndrome; Infantile thoracic dystrophy; Thoracic pelvic phalangeal dystrophy; Jeune's syndrome; Chondroectodermal dysplasia-like syndrome. Identifiers: Orphanet 474, MedGen C0265275, MONDO:0018770.
Asphyxiating thoracic dystrophy 2 (SRTD2). Also called: SHORT-RIB THORACIC DYSPLASIA 2 WITH OR WITHOUT POLYDACTYLY; SHORT-RIB THORACIC DYSPLASIA 2 WITH POLYDACTYLY; SHORT-RIB THORACIC DYSPLASIA 2 WITHOUT POLYDACTYLY. Identifiers: Orphanet 474, MedGen C1970005, MONDO:0012644, OMIM 611263.

Allele frequency attached by ClinVar (database versions not stated): gnomAD exomes below 0.00001; ExAC 0.00002; TOPMed 0.00002; 1000 Genomes Project 30x 0.00047; 1000 Genomes Project 0.00060.
gnomAD v4.1: 25 of 1,433,086 alleles (0.0017%); highest among the groups gnomAD compares: Admixed American, 0.034%; no homozygotes.

Submissions (3):

Labcorp Genetics (formerly Invitae), Labcorp
Classification: Likely pathogenic for Jeune thoracic dystrophy. Last evaluated: 2026-01-02. Review status: criteria provided, single submitter. Criteria: Invitae Variant Classification Sherloc (09022015). Collection method: clinical testing. Allele origin: germline.
Comment: This sequence change affects an acceptor splice site in intron 9 of the IFT80 gene. It is expected to disrupt RNA splicing. Variants that disrupt the donor or acceptor splice site typically lead to a loss of protein function (PMID: 16199547), and loss-of-function variants in IFT80 are known to be pathogenic (PMID: 21227999, 23339108, 29068549). This variant is present in population databases (rs202051267, gnomAD 0.003%). Disruption of this splice site has been observed in individual(s) with asphyxiating thoracic dysplasia (PMID: 23339108). ClinVar contains an entry for this variant (Variation ID: 956602). Algorithms developed to predict the effect of sequence changes on RNA splicing suggest that this variant may disrupt the consensus splice site. In summary, the currently available evidence indicates that the variant is pathogenic, but additional data are needed to prove that conclusively. Therefore, this variant has been classified as Likely Pathogenic.

Fulgent Genetics
Classification: Likely pathogenic for Asphyxiating thoracic dystrophy 2. Last evaluated: 2024-03-01. Review status: criteria provided, single submitter. Criteria: ACMG Guidelines, 2015. Collection method: clinical testing. Allele origin: germline.

Revvity Omics, Revvity
Classification: Pathogenic for Asphyxiating thoracic dystrophy 2. Last evaluated: 2020-11-05. Review status: criteria provided, single submitter. Criteria: ACMG Guidelines, 2015. Collection method: clinical testing. Allele origin: germline.

Literature cited by the submitters: PubMed 16199547 (cited by Labcorp Genetics (formerly Invitae), Labcorp); PubMed 21227999 (cited by Labcorp Genetics (formerly Invitae), Labcorp); PubMed 23339108 (cited by Labcorp Genetics (formerly Invitae), Labcorp); PubMed 29068549 (cited by Labcorp Genetics (formerly Invitae), Labcorp).